The following is an entry in ClinVar:

ClinVar aggregate classification (germline): Likely benign. Review status: criteria provided, single submitter (1 of 4 stars). 2 submissions from 2 submitters: Likely benign (1). 1 of the submissions does not count toward it. Last evaluated 2025-07-14.

Conditions:
PCLO-related disorder. Also called: PCLO-related condition.

Allele frequency attached by ClinVar (database versions not stated): ExAC 0.00002; gnomAD exomes 0.00002; gnomAD 0.00003; TOPMed 0.00003.
gnomAD v4.1: 24 of 1,572,292 alleles (0.0015%); highest among the groups gnomAD compares: Admixed American, 0.005%; no homozygotes.

Submissions (2):

Labcorp Genetics (formerly Invitae), Labcorp
Classification: Likely benign. Last evaluated: 2025-07-14. Review status: criteria provided, single submitter. Criteria: Invitae Variant Classification Sherloc (09022015). Collection method: clinical testing. Allele origin: germline.

PreventionGenetics, part of Exact Sciences
Classification: Likely benign for PCLO-related condition. Last evaluated: 2019-08-22. Review status: no assertion criteria provided. Collection method: clinical testing. Allele origin: germline. Not counted in ClinVar's aggregate classification.
Comment: This variant is classified as likely benign based on ACMG/AMP sequence variant interpretation guidelines (Richards et al. 2015 PMID: 25741868, with internal and published modifications).

NM_033026.6(PCLO):c.14052C>T (p.Thr4684=)

Gene: PCLO (piccolo presynaptic cytomatrix protein; minus strand). Cytogenetic location: 7q21.11.
Variant type: single nucleotide variant.
Coding change: c.14052C>T on transcript NM_033026.6 (MANE Select); coding-DNA position 14052, C replaced by T.
Protein change: p.Thr4684=; no amino-acid change (threonine 4684 retained).
Molecular consequence: synonymous variant.
Genome position (GRCh38, 1-based): chr7:82,841,504, G>A on the plus strand (C>T on the coding strand, the complement: PCLO is on the minus strand). VCF-style: chr7-82841504-G-A. GRCh37 (hg19) VCF-style: chr7-82470820-G-A.
Other names: c.14052C>T, p.Thr4684= (NM_014510.3); c.14052C>T (NM_033026.5).
Identifiers: ClinVar variation 1616079 (VCV001616079.10), dbSNP rs756739061, ClinGen allele CA4318941.
Genomic context (GRCh38, chr7:82,841,504, plus strand): 5'-TAAAAAACTTCATACCTGAATTTCTCCTGTAATTGGATGAGAGACAACCTTTGTTCCATC[G>A]GTAGGCTGTAATATTAAAGAACATATATTACATTAATAGATACATTTTTCACATAATTTA-3'
Protein context (NP_149015.2, residues 4674-4694): SKKKHGSSKP[Thr4684=]DGTKVVSHPI